The following is an entry in ClinVar:

ClinVar aggregate classification (germline): Uncertain significance (1 of 4 stars; one submission).

Conditions:
Ocular motility disease. Identifiers: MedGen C0028850, MONDO:0001584.

gnomAD v4.1: 2 of 1,603,932 alleles (0.00012%); highest among the groups gnomAD compares: Non-Finnish European, 0.00017%; no homozygotes.

Submission:

Broad Center for Mendelian Genomics, Broad Institute of MIT and Harvard
Classification: Uncertain significance for Ocular motility disease. Last evaluated: 2025-06-27. Review status: criteria provided, single submitter. Criteria: ACMG Guidelines, 2015. Collection method: curation. Allele origin: germline. Inheritance: Autosomal recessive inheritance. Study: GREGoR Consortium.
Comment: We believe this is a possible phenotype expansion for ocular motility disease. Given the limited information about this phenotype expansion, the significance of the p.Pro453Leu variant is uncertain. If you have any additional information about functional evidence or other individuals with this phenotype that also have variants in COL18A1 we encourage you to reach out to us.

NM_001379500.1(COL18A1):c.1358C>T (p.Pro453Leu)

Gene: COL18A1 (collagen type XVIII alpha 1 chain; plus strand). Cytogenetic location: 21q22.3.
Variant type: single nucleotide variant.
Coding change: c.1358C>T on transcript NM_001379500.1 (MANE Select); coding-DNA position 1358, C replaced by T.
Protein change: p.Pro453Leu; replaces proline 453 with leucine.
Molecular consequence: missense variant.
Genome position (GRCh38, 1-based): chr21:45,480,116, C>T. VCF-style: chr21-45480116-C-T. GRCh37 (hg19) VCF-style: chr21-46900030-C-T.
Other names: NM_001379500.1:c.1358C>T; c.1898C>T, p.Pro633Leu (NM_030582.4); c.2603C>T, p.Pro868Leu (NM_130444.3); short protein forms P453L, P633L, P868L.
Identifiers: ClinVar variation 4070913 (VCV004070913.1).